The following is an entry in ClinVar:

NM_000531.6(OTC):c.673C>G (p.Pro225Ala)

Gene: OTC (ornithine transcarbamylase; plus strand). Cytogenetic location: Xp11.4.
Variant type: single nucleotide variant.
Coding change: c.673C>G on transcript NM_000531.6 (MANE Select); coding-DNA position 673, C replaced by G.
Protein change: p.Pro225Ala; replaces proline 225 with alanine.
Molecular consequence: missense variant.
Genome position (GRCh38, 1-based): chrX:38,408,751, C>G. VCF-style: chrX-38408751-C-G. GRCh37 (hg19) VCF-style: chrX-38268004-C-G.
Other names: c.673C>G, p.Pro225Ala (NM_001407092.1); short protein forms P225A.
Identifiers: ClinVar variation 4758672 (VCV004758672.1).
Genomic context (GRCh38, chrX:38,408,751, plus strand): 5'-AACATGTATAATAAAATTACCTAAATAAGATTTAAATTCTTCCTCCTTTAGGGTTATGAG[C>G]CGGATGCTAGTGTAACCAAGTTGGCAGAGCAGTATGCCAAAGAGGTATGCTCTTTACATG-3'
Protein context (NP_000522.3, residues 215-235): LQAATPKGYE[Pro225Ala]DASVTKLAEQ

ClinVar aggregate classification (germline): Uncertain significance (1 of 4 stars; one submission).

Conditions:
Ornithine carbamoyltransferase deficiency (OTCD). Also called: ORNITHINE TRANSCARBAMYLASE DEFICIENCY; ORNITHINE TRANSCARBAMYLASE DEFICIENCY, HYPERAMMONEMIA DUE TO; OTC DEFICIENCY; Ornithine Carbamoyltransferase Deficiency Disease. Identifiers: Orphanet 664, MedGen C0268542, MONDO:0010703, OMIM 311250.

gnomAD v4.1: 1 of 1,197,377 alleles (0.000084%); highest among the groups gnomAD compares: African/African-American, 0.0017%; no homozygotes.

Submission:

Color Diagnostics, LLC DBA Color Health
Classification: Uncertain significance for Ornithine carbamoyltransferase deficiency. Last evaluated: 2025-05-29. Review status: criteria provided, single submitter. Criteria: ACMG Guidelines, 2015. Collection method: clinical testing. Allele origin: germline.
Comment: This missense variant replaces proline with alanine at codon 225 of the OTC protein. Computational prediction suggests that this variant may have deleterious impact on protein structure and function. To our knowledge, functional studies have not been reported for this variant. This variant has not been reported in individuals affected with OTC-related disorders in the literature. This variant has not been identified in the general population by the Genome Aggregation Database (gnomAD). A different missense variant occurring at the same codon, p.Pro225Leu, is known to cause disease (ClinVar variation ID: 11000), indicating the importance of proline residue at this position in OTC function. Due to the lack of variant-specific data, the available evidence is insufficient to determine the role of p.Pro225Ala variant in disease conclusively. Therefore, this variant is classified as a Variant of Uncertain Significance.